The following is an entry in ClinVar:

ClinVar aggregate classification (germline): Conflicting classifications of pathogenicity. Review status: criteria provided, conflicting classifications (1 of 4 stars). 6 submissions from 6 submitters: Uncertain significance (1); Likely benign (4). 1 of the submissions does not count toward it. Last evaluated 2025-11-19.

Conditions:
Epidermolysis bullosa simplex 5B, with muscular dystrophy (EBS5B). Also called: EPIDERMOLYSIS BULLOSA SIMPLEX AND LIMB-GIRDLE MUSCULAR DYSTROPHY; Epidermolysis bullosa simplex with muscular dystrophy. Identifiers: Orphanet 257, MedGen C2931072, MONDO:0009181, OMIM 226670.
Autosomal recessive limb-girdle muscular dystrophy type 2Q (LGMDR17). Also called: MUSCULAR DYSTROPHY, LIMB-GIRDLE, AUTOSOMAL RECESSIVE 17. Identifiers: Orphanet 254361, MedGen C3150989, MONDO:0013390, OMIM 613723.
Epidermolysis bullosa simplex, Ogna type (EBS5A). Also called: Pidermolysis bullosa simplex 5A, Ogna type; EPIDERMOLYSIS BULLOSA SIMPLEX 5A, OGNA TYPE. Identifiers: Orphanet 79401, MedGen C0432317, MONDO:0007555, OMIM 131950.
Epidermolysis bullosa simplex with nail dystrophy (EBS5D). Identifiers: MedGen C4225309, MONDO:0014661, OMIM 616487.
Epidermolysis bullosa simplex 5C, with pyloric atresia (EBS5C). Also called: PLEC-Related Epidermolysis Bullosa with Pyloric Atresia; Epidermolysis bullosa simplex with pyloric atresia; PLEC1-Related Epidermolysis Bullosa with Pyloric Atresia. Identifiers: Orphanet 158684, MedGen C2677349, MONDO:0012807, OMIM 612138.
PLEC-related disorder. Also called: PLEC-related condition; PLEC-related disorders.

Allele frequency attached by ClinVar (database versions not stated): gnomAD 0.00010; gnomAD exomes 0.00015; 1000 Genomes Project 30x 0.00016; TOPMed 0.00016; ExAC 0.00017; 1000 Genomes Project 0.00020.
gnomAD v4.1: 290 of 1,611,210 alleles (0.018%); highest among the groups gnomAD compares: Non-Finnish European, 0.022%; no homozygotes.

Submissions (6):

Labcorp Genetics (formerly Invitae), Labcorp
Classification: Likely benign for Autosomal recessive limb-girdle muscular dystrophy type 2Q; Epidermolysis bullosa simplex, Ogna type; Epidermolysis bullosa simplex with nail dystrophy; Epidermolysis bullosa simplex 5C, with pyloric atresia; Epidermolysis bullosa simplex 5B, with muscular dystrophy. Last evaluated: 2025-11-19. Review status: criteria provided, single submitter. Criteria: Invitae Variant Classification Sherloc (09022015). Collection method: clinical testing. Allele origin: germline.

Blueprint Genetics
Classification: Likely benign. Last evaluated: 2024-10-31. Review status: criteria provided, single submitter. Criteria: ACMG Guidelines, 2015. Collection method: clinical testing. Allele origin: germline.

Athena Diagnostics
Classification: Likely benign. Last evaluated: 2020-04-14. Review status: criteria provided, single submitter. Criteria: Athena Diagnostics Criteria. Collection method: clinical testing. Allele origin: unknown.

GeneDx
Classification: Likely benign. Last evaluated: 2017-12-13. Review status: criteria provided, single submitter. Criteria: GeneDx Variant Classification (06012015). Collection method: clinical testing. Allele origin: germline. Affected: yes.
Comment: This variant is considered likely benign or benign based on one or more of the following criteria: it is a conservative change, it occurs at a poorly conserved position in the protein, it is predicted to be benign by multiple in silico algorithms, and/or has population frequency not consistent with disease.

Eurofins Ntd Llc (ga)
Classification: Uncertain significance. Last evaluated: 2017-05-02. Review status: criteria provided, single submitter. Criteria: EGL Classification Definitions 2015. Collection method: clinical testing. Allele origin: germline. Observed: 2 variant alleles, 2 heterozygotes.

PreventionGenetics, part of Exact Sciences
Classification: Likely benign for PLEC-related condition. Last evaluated: 2019-11-19. Review status: no assertion criteria provided. Collection method: clinical testing. Allele origin: germline. Not counted in ClinVar's aggregate classification.
Comment: This variant is classified as likely benign based on ACMG/AMP sequence variant interpretation guidelines (Richards et al. 2015 PMID: 25741868, with internal and published modifications).

NM_201384.3(PLEC):c.10791C>T (p.Pro3597=)

Gene: PLEC (plectin; minus strand). Cytogenetic location: 8q24.3.
Variant type: single nucleotide variant.
Coding change: c.10791C>T on transcript NM_201384.3 (MANE Select); coding-DNA position 10791, C replaced by T.
Protein change: p.Pro3597=; no amino-acid change (proline 3597 retained).
Molecular consequence: synonymous variant.
Genome position (GRCh38, 1-based): chr8:143,919,030, G>A on the plus strand (C>T on the coding strand, the complement: PLEC is on the minus strand). VCF-style: chr8-143919030-G-A. GRCh37 (hg19) VCF-style: chr8-144993198-G-A.
Other names: c.10872C>T (NM_000445.4); c.10872C>T, p.Pro3624= (NM_000445.5); c.10749C>T, p.Pro3583= (NM_201378.4); c.10725C>T, p.Pro3575= (NM_201379.3); c.11202C>T, p.Pro3734= (NM_201380.4); c.10695C>T, p.Pro3565= (NM_201381.3); c.10791C>T, p.Pro3597= (NM_201382.4); c.10803C>T, p.Pro3601= (NM_201383.3).
Identifiers: ClinVar variation 501795 (VCV000501795.17), dbSNP rs537994918, ClinGen allele CA4924533.